The following is an entry in ClinVar:

NM_004614.5(TK2):c.157-12G>A

Gene: TK2 (thymidine kinase 2; minus strand). Cytogenetic location: 16q21.
Variant type: single nucleotide variant.
Coding change: c.157-12G>A on transcript NM_004614.5 (MANE Select); 12 bases into the intron before coding-DNA position 157, G replaced by A.
Molecular consequence: intron variant.
Genome position (GRCh38, 1-based): chr16:66,541,965, C>T on the plus strand (G>A on the coding strand, the complement: TK2 is on the minus strand). VCF-style: chr16-66541965-C-T. GRCh37 (hg19) VCF-style: chr16-66575868-C-T.
Other names: c.64-12G>A (NM_001271935.1, NM_001172643.1); c.157-4948G>A (NM_001172644.2); c.157-12G>A (NM_001172645.2); c.10-12G>A (NM_001271934.2); c.-135-12G>A (NM_001272050.2).
Identifiers: ClinVar variation 137667 (VCV000137667.13), dbSNP rs117229729, ClinGen allele CA291321.

ClinVar aggregate classification (germline): Benign. Review status: criteria provided, multiple submitters, no conflicts (2 of 4 stars). 4 submissions from 4 submitters: Benign (4). Last evaluated 2026-02-03.

Conditions:
Mitochondrial DNA depletion syndrome, myopathic form (MTDPS2). Also called: MITOCHONDRIAL DNA DEPLETION SYNDROME 2 (MYOPATHIC TYPE); TK2-Related Mitochondrial DNA Maintenance Defect, Myopathic Form; MITOCHONDRIAL DNA DEPLETION MYOPATHY, TK2-RELATED. Identifiers: Orphanet 254875, MedGen C3149750, MONDO:0012301, OMIM 609560.

Allele frequency attached by ClinVar (database versions not stated): gnomAD 0.00128 and 0.00159; TOPMed 0.00142; ExAC 0.00320; gnomAD exomes 0.00333; 1000 Genomes Project 30x 0.00437; 1000 Genomes Project 0.00479.
gnomAD v4.1: 1,925 of 1,613,940 alleles (0.12%); highest among the groups gnomAD compares: East Asian, 2.3%; 27 homozygotes.

Submissions (4):

Labcorp Genetics (formerly Invitae), Labcorp
Classification: Benign. Last evaluated: 2026-02-03. Review status: criteria provided, single submitter. Criteria: Invitae Variant Classification Sherloc (09022015). Collection method: clinical testing. Allele origin: germline.

Illumina Laboratory Services, Illumina
Classification: Benign for Mitochondrial DNA depletion syndrome, myopathic form. Last evaluated: 2018-01-12. Review status: criteria provided, single submitter. Criteria: ICSL Variant Classification Criteria 13 December 2019. Collection method: clinical testing. Allele origin: germline.
Comment: This variant was observed in the ICSL laboratory as part of a predisposition screen in an ostensibly healthy population. It had not been previously curated by ICSL or reported in the Human Gene Mutation Database (HGMD: prior to June 1st, 2018), and was therefore a candidate for classification through an automated scoring system. Utilizing variant allele frequency, disease prevalence and penetrance estimates, and inheritance mode, an automated score was calculated to assess if this variant is too frequent to cause the disease. Based on the score and internal cut-off values, a variant classified as benign is not then subjected to further curation. The score for this variant resulted in a classification of benign for this disease.

GeneDx
Classification: Benign. Last evaluated: 2013-02-25. Review status: criteria provided, single submitter. Criteria: GeneDx Variant Classification (06012015). Collection method: clinical testing. Allele origin: germline. Affected: yes.
Comment: This variant is considered likely benign or benign based on one or more of the following criteria: it is a conservative change, it occurs at a poorly conserved position in the protein, it is predicted to be benign by multiple in silico algorithms, and/or has population frequency not consistent with disease.

Breakthrough Genomics
Classification: Benign. Review status: criteria provided, single submitter. Criteria: ACMG Guidelines, 2015. Collection method: not provided. Allele origin: germline. Inheritance: Autosomal recessive inheritance. Affected: yes.